The following is an entry in ClinVar:

NM_004656.4(BAP1):c.1891-14_1891del

Gene: BAP1 (BRCA1 associated deubiquitinase 1; minus strand). Cytogenetic location: 3p21.1.
Variant type: Deletion.
Coding change: c.1891-14_1891del on transcript NM_004656.4 (MANE Select); 14 bases into the intron before coding-DNA position 1891 through coding-DNA position 1891, 15 bases deleted (CTGGGTTTTGGCAGG).
Molecular consequence: splice acceptor variant.
Genome position (GRCh38, 1-based): chr3:52,402,871-52,402,885, CCTGCCAAAACCCAG deleted on the plus strand (CTGGGTTTTGGCAGG on the coding strand, the reverse complement: BAP1 is on the minus strand); deleting any 15 consecutive bases within chr3:52,402,871-52,402,886 gives the same sequence; the c. name uses the placement nearest the transcript's 3' end. VCF-style (leftmost placement, unchanged base first): chr3-52402870-TCCTGCCAAAACCCAG-T. GRCh37 (hg19) VCF-style: chr3-52436886-TCCTGCCAAAACCCAG-T.
Other names: c.1837-14_1837del (NM_001410772.1).
Identifiers: ClinVar variation 2835247 (VCV002835247.3), dbSNP rs2471322952, ClinGen allele CA2739279932.
Genomic context (GRCh38, chr3:52,402,870, plus strand): 5'-TTGAGGCACGCCTCATAGTTTGCAATCTCAGCCTCCACACACTTCAGCAGTGCCAGCAGC[TCCTGCCAAAACCCAG>T]CATTGCACCTCTGATCGGGGCGGGCCAGCAACAAAGCCCCACGAGCAATAGGCAGCTAGA-3'

ClinVar aggregate classification (germline): Uncertain significance (1 of 4 stars; one submission).

Conditions:
BAP1-related tumor predisposition syndrome (TPDS1). Also called: COMMON Syndrome; TUMOR PREDISPOSITION SYNDROME 1; Tumor susceptibility linked to germline BAP1 mutations; BAP1 tumor predisposition syndrome. Identifiers: Orphanet 289539, MedGen C3280492, MONDO:0013692, OMIM 614327.

Submission:

Labcorp Genetics (formerly Invitae), Labcorp
Classification: Uncertain significance for BAP1-related tumor predisposition syndrome. Last evaluated: 2023-03-16. Review status: criteria provided, single submitter. Criteria: Invitae Variant Classification Sherloc (09022015). Collection method: clinical testing. Allele origin: germline.
Comment: This variant is not present in population databases (gnomAD no frequency). This variant has not been reported in the literature in individuals affected with BAP1-related conditions. Studies have shown that this variant results in the activation of a cryptic splice site in intron 14 (Invitae). In summary, the available evidence is currently insufficient to determine the role of this variant in disease. Therefore, it has been classified as a Variant of Uncertain Significance. This variant results in the deletion of part of exon 15 of the BAP1 gene. RNA analysis indicates that this variant induces altered splicing and likely results in the gain of 18 amino acid residue(s), but is expected to preserve the integrity of the reading-frame.